The following is an entry in ClinVar:

NM_001267550.2(TTN):c.45652C>T (p.Arg15218Trp)

Gene: TTN (titin; minus strand). Cytogenetic location: 2q31.2.
Variant type: single nucleotide variant.
Coding change: c.45652C>T on transcript NM_001267550.2 (MANE Select); coding-DNA position 45652, C replaced by T.
Protein change: p.Arg15218Trp; replaces arginine 15218 with tryptophan.
Molecular consequence: missense variant.
Genome position (GRCh38, 1-based): chr2:178,620,958, G>A on the plus strand (C>T on the coding strand, the complement: TTN is on the minus strand). VCF-style: chr2-178620958-G-A. GRCh37 (hg19) VCF-style: chr2-179485685-G-A.
Other names: c.40729C>T, p.Arg13577Trp (NM_001256850.1); c.18457C>T, p.Arg6153Trp (NM_003319.4); c.37948C>T, p.Arg12650Trp (NM_133378.4); c.18832C>T, p.Arg6278Trp (NM_133432.3); c.19033C>T, p.Arg6345Trp (NM_133437.4); short protein forms R15218W, R12650W, R6278W, R6345W, R13577W, R6153W.
Identifiers: ClinVar variation 535417 (VCV000535417.14), dbSNP rs371621174, ClinGen allele CA1995385.

ClinVar aggregate classification (germline): Conflicting classifications of pathogenicity. Review status: criteria provided, conflicting classifications (1 of 4 stars). 3 submissions from 3 submitters: Uncertain significance (2); Likely benign (1). Last evaluated 2020-06-30.

Conditions:
Autosomal recessive limb-girdle muscular dystrophy type 2J (LGMDR10). Also called: Limb-girdle muscular dystrophy, type 2J; MUSCULAR DYSTROPHY, LIMB-GIRDLE, AUTOSOMAL RECESSIVE 10. Identifiers: Orphanet 140922, MedGen C1837342, MONDO:0012127, OMIM 608807.
Dilated cardiomyopathy 1G (CMD1G). Identifiers: Orphanet 154, MedGen C1858763, MONDO:0011400, OMIM 604145.

Allele frequency attached by ClinVar (database versions not stated): gnomAD 0.00004; gnomAD exomes 0.00004; TOPMed 0.00004; ExAC 0.00005; ESP Exome Variant Server 0.00008.
gnomAD v4.1: 74 of 1,612,024 alleles (0.0046%); highest among the groups gnomAD compares: Non-Finnish European, 0.0051%; no homozygotes.

Submissions (3):

GeneDx
Classification: Likely benign. Last evaluated: 2020-06-30. Review status: criteria provided, single submitter. Criteria: GeneDx Variant Classification Process June 2021. Collection method: clinical testing. Allele origin: germline. Affected: yes.

ARUP Laboratories, Molecular Genetics and Genomics, ARUP Laboratories
Classification: Uncertain significance. Last evaluated: 2019-05-02. Review status: criteria provided, single submitter. Criteria: ARUP Molecular Germline Variant Investigation Process. Collection method: clinical testing. Allele origin: germline.
Comment: The TTN c.37948C>T; p.Arg12650Trp variant (rs371621174; ClinVar Variation ID: 535417) is rare in the general population (<1% allele frequency in the Genome Aggregation Database) and has not been reported in the medical literature in association with dilated cardiomyopathy (DCM) or other TTN-related disease. The clinical relevance of rare missense variants in this gene, which are identified on average once per individual sequenced in affected populations (Herman 2012), is not well understood. Yet, evidence suggests that the vast majority of such missense variants do not contribute to the clinical outcome of DCM (Begay 2015). Thus, the clinical significance of the p.Arg12650Trp variant cannot be determined with certainty. References: Begay RL et al. Role of Titin Missense Variants in Dilated Cardiomyopathy. J Am Heart Assoc. 2015 Nov 13;4(11). Herman DS et al. Truncations of titin causing dilated cardiomyopathy. N Engl J Med. 2012 Feb 16;366(7):619-28.

Labcorp Genetics (formerly Invitae), Labcorp
Classification: Uncertain significance for Dilated cardiomyopathy 1G; Autosomal recessive limb-girdle muscular dystrophy type 2J. Last evaluated: 2017-09-14. Review status: criteria provided, single submitter. Criteria: Invitae Variant Classification Sherloc (09022015). Collection method: clinical testing. Allele origin: germline.